The following is an entry in ClinVar:

NM_001130438.3(SPTAN1):c.4028G>T (p.Arg1343Leu)

Gene: SPTAN1 (spectrin alpha, non-erythrocytic 1; plus strand). Cytogenetic location: 9q34.11.
Variant type: single nucleotide variant.
Coding change: c.4028G>T on transcript NM_001130438.3 (MANE Select); coding-DNA position 4028, G replaced by T.
Protein change: p.Arg1343Leu; replaces arginine 1343 with leucine.
Molecular consequence: missense variant.
Genome position (GRCh38, 1-based): chr9:128,605,459, G>T. VCF-style: chr9-128605459-G-T. GRCh37 (hg19) VCF-style: chr9-131367738-G-T.
Other names: c.3968G>T, p.Arg1323Leu (NM_001195532.2, NM_001363765.2, NM_001375314.2); c.4028G>T, p.Arg1343Leu (NM_001363759.2, NM_001375310.1, NM_001375311.2 and 2 more transcripts); c.4064G>T, p.Arg1355Leu (NM_001375312.2, NM_001375318.1); short protein forms R1323L, R1343L, R1355L.
Identifiers: ClinVar variation 3362225 (VCV003362225.1).

ClinVar aggregate classification (germline): Uncertain significance (1 of 4 stars; one submission).

Submission:

GeneDx
Classification: Uncertain significance. Last evaluated: 2023-05-30. Review status: criteria provided, single submitter. Criteria: GeneDx Variant Classification Process June 2021. Collection method: clinical testing. Allele origin: germline. Affected: yes.
Comment: Not observed at significant frequency in large population cohorts (gnomAD); In silico analysis supports that this missense variant has a deleterious effect on protein structure/function; Has not been previously published as pathogenic or benign to our knowledge